The following is an entry in ClinVar:

NM_000238.4(KCNH2):c.2081G>A (p.Arg694His)

Gene: KCNH2 (potassium voltage-gated channel subfamily H member 2; minus strand). Cytogenetic location: 7q36.1.
Variant type: single nucleotide variant.
Coding change: c.2081G>A on transcript NM_000238.4 (MANE Select); coding-DNA position 2081, G replaced by A.
Protein change: p.Arg694His; replaces arginine 694 with histidine.
Molecular consequence: missense variant.
Genome position (GRCh38, 1-based): chr7:150,950,985, C>T on the plus strand (G>A on the coding strand, the complement: KCNH2 is on the minus strand). VCF-style: chr7-150950985-C-T. GRCh37 (hg19) VCF-style: chr7-150648073-C-T.
Other names: p.R694H:CGC>CAC; c.1061G>A, p.Arg354His (NM_001204798.2, NM_172057.3); c.1793G>A, p.Arg598His (NM_001406753.1, NM_001406756.1); c.1904G>A, p.Arg635His (NM_001406755.1); c.1781G>A, p.Arg594His (NM_001406757.1); c.2081G>A, p.Arg694His (NM_172056.3); short protein forms R354H, R694H, R594H, R635H, R598H.
Identifiers: ClinVar variation 200410 (VCV000200410.12), dbSNP rs794728383, ClinGen allele CA006201.

ClinVar aggregate classification (germline): Uncertain significance. Review status: criteria provided, multiple submitters, no conflicts (2 of 4 stars). 2 submissions from 2 submitters: Uncertain significance (2). Last evaluated 2025-06-10.

Conditions:
Long QT syndrome (LQTS). Identifiers: MedGen C0023976, MeSH D008133, MONDO:0002442. Disease mechanism: loss of function. Inheritance: Various modes of inheritance.

Allele frequency attached by ClinVar (database versions not stated): gnomAD exomes below 0.00001; gnomAD 0.00001.
gnomAD v4.1: 7 of 1,614,122 alleles (0.00043%); highest among the groups gnomAD compares: Middle Eastern, 0.016%; no homozygotes.

Submissions (2):

GeneDx
Classification: Uncertain significance. Last evaluated: 2025-06-10. Review status: criteria provided, single submitter. Criteria: GeneDx Variant Classification Process June 2021. Collection method: clinical testing. Allele origin: germline. Affected: yes.
Comment: Not observed at significant frequency in large population cohorts (gnomAD); In silico analysis supports that this missense variant has a deleterious effect on protein structure/function; This variant is associated with the following publications: (PMID: 23207121)

Labcorp Genetics (formerly Invitae), Labcorp
Classification: Uncertain significance for Long QT syndrome. Last evaluated: 2020-03-14. Review status: criteria provided, single submitter. Criteria: Invitae Variant Classification Sherloc (09022015). Collection method: clinical testing. Allele origin: germline.
Comment: This sequence change replaces arginine with histidine at codon 694 of the KCNH2 protein (p.Arg694His). The arginine residue is highly conserved and there is a small physicochemical difference between arginine and histidine. This variant is not present in population databases (ExAC no frequency). This variant has been observed in individual(s) with clinical features of KCNH2-related conditions (PMID: 23207121). ClinVar contains an entry for this variant (Variation ID: 200410). Algorithms developed to predict the effect of missense changes on protein structure and function (SIFT, PolyPhen-2, Align-GVGD) all suggest that this variant is likely to be disruptive, but these predictions have not been confirmed by published functional studies and their clinical significance is uncertain. In summary, the available evidence is currently insufficient to determine the role of this variant in disease. Therefore, it has been classified as a Variant of Uncertain Significance.

Literature cited by the submitters: PubMed 23207121 (cited by Labcorp Genetics (formerly Invitae), Labcorp).